The following is an entry in ClinVar:

ClinVar aggregate classification (germline): Uncertain significance (1 of 4 stars; one submission).

Conditions:
Hereditary cancer-predisposing syndrome. Also called: Neoplastic Syndromes, Hereditary; Hereditary Cancer Syndrome; Tumor predisposition; Hereditary neoplastic syndrome. Identifiers: Orphanet 140162, MedGen C0027672, MeSH D009386, MONDO:0015356.

Submission:

Ambry Genetics
Classification: Uncertain significance for Hereditary cancer-predisposing syndrome. Last evaluated: 2024-12-30. Review status: criteria provided, single submitter. Criteria: Ambry Variant Classification Scheme 2023. Collection method: clinical testing. Allele origin: germline.
Comment: The p.S107G variant (also known as c.319A>G), located in coding exon 2 of the TMEM127 gene, results from an A to G substitution at nucleotide position 319. The serine at codon 107 is replaced by glycine, an amino acid with similar properties. This amino acid position is conserved. In addition, the in silico prediction for this alteration is inconclusive. Based on the available evidence, the clinical significance of this variant remains unclear.

NM_017849.4(TMEM127):c.319A>G (p.Ser107Gly)

Gene: TMEM127 (transmembrane protein 127; minus strand). Cytogenetic location: 2q11.2.
Variant type: single nucleotide variant.
Coding change: c.319A>G on transcript NM_017849.4 (MANE Select); coding-DNA position 319, A replaced by G.
Protein change: p.Ser107Gly; replaces serine 107 with glycine.
Molecular consequence: missense variant.
Genome position (GRCh38, 1-based): chr2:96,254,923, T>C on the plus strand (A>G on the coding strand, the complement: TMEM127 is on the minus strand). VCF-style: chr2-96254923-T-C. GRCh37 (hg19) VCF-style: chr2-96920661-T-C.
Other names: c.319A>G, p.Ser107Gly (NM_001193304.3); c.67A>G, p.Ser23Gly (NM_001407282.1, NM_001407283.1); short protein forms S23G, S107G.
Identifiers: ClinVar variation 3807743 (VCV003807743.1).